The following is an entry in ClinVar:

NM_001394372.1(BICRA):c.610G>C (p.Gly204Arg)

Gene: BICRA (BRD4 interacting chromatin remodeling complex associated protein; plus strand). Cytogenetic location: 19q13.33.
Variant type: single nucleotide variant.
Coding change: c.610G>C on transcript NM_001394372.1 (MANE Select); coding-DNA position 610, G replaced by C.
Protein change: p.Gly204Arg; replaces glycine 204 with arginine.
Molecular consequence: missense variant.
Genome position (GRCh38, 1-based): chr19:47,679,780, G>C. VCF-style: chr19-47679780-G-C. GRCh37 (hg19) VCF-style: chr19-48183037-G-C.
Other names: c.610G>C, p.Gly204Arg (NM_015711.3); short protein forms G204R.
Identifiers: ClinVar variation 2650159 (VCV002650159.24), dbSNP rs2514108362, ClinGen allele CA406609742.

ClinVar aggregate classification (germline): Uncertain significance (1 of 4 stars; one submission).

Allele frequency attached by ClinVar (database versions not stated): gnomAD exomes below 0.00001.
gnomAD v4.1: 1 of 1,503,480 alleles (0.000067%); highest among the groups gnomAD compares: Non-Finnish European, 0.000089%; no homozygotes.

Submission:

CeGaT Center for Human Genetics Tuebingen
Classification: Uncertain significance. Last evaluated: 2023-04-01. Review status: criteria provided, single submitter. Criteria: CeGaT Center For Human Genetics Tuebingen Variant Classification Criteria Version 2. Collection method: clinical testing. Allele origin: germline. Affected: yes. Observed: 1 variant allele.
Comment: BICRA: PM2, PP2